The following is an entry in ClinVar:

NM_004260.4(RECQL4):c.2837G>C (p.Arg946Pro)

Gene: RECQL4 (RecQ like helicase 4; minus strand). Cytogenetic location: 8q24.3.
Variant type: single nucleotide variant.
Coding change: c.2837G>C on transcript NM_004260.4 (MANE Select); coding-DNA position 2837, G replaced by C.
Protein change: p.Arg946Pro; replaces arginine 946 with proline.
Molecular consequence: missense variant. On other transcripts: non-coding transcript variant (3).
Genome position (GRCh38, 1-based): chr8:144,512,690, C>G on the plus strand (G>C on the coding strand, the complement: RECQL4 is on the minus strand). VCF-style: chr8-144512690-C-G. GRCh37 (hg19) VCF-style: chr8-145738073-C-G.
Other names: c.1766G>C, p.Arg589Pro (NM_001413035.1, NM_001413040.1, NM_001413021.1 and 4 more transcripts); c.2837G>C, p.Arg946Pro (NM_001413036.1); c.1634G>C, p.Arg545Pro (NM_001413037.1); c.1568G>C, p.Arg523Pro (NM_001413038.1, NM_001413031.1); c.2807G>C, p.Arg936Pro (NM_001413039.1); c.1775G>C, p.Arg592Pro (NM_001413041.1); c.1736G>C, p.Arg579Pro (NM_001413042.1); c.1370G>C, p.Arg457Pro (NM_001413043.1); and 9 more; short protein forms R457P, R545P, R848P, R880P, R903P, R914P, R946P, R523P.
Identifiers: ClinVar variation 4707829 (VCV004707829.1).

ClinVar aggregate classification (germline): Uncertain significance (1 of 4 stars; one submission).

Conditions:
Baller-Gerold syndrome (BGS). Also called: CRANIOSYNOSTOSIS WITH RADIAL DEFECTS. Identifiers: Orphanet 1225, MedGen C0265308, MONDO:0009039, OMIM 218600.

Submission:

Labcorp Genetics (formerly Invitae), Labcorp
Classification: Uncertain significance for Baller-Gerold syndrome. Last evaluated: 2025-04-17. Review status: criteria provided, single submitter. Criteria: Invitae Variant Classification Sherloc (09022015). Collection method: clinical testing. Allele origin: germline.
Comment: This sequence change replaces arginine, which is basic and polar, with proline, which is neutral and non-polar, at codon 946 of the RECQL4 protein (p.Arg946Pro). This variant is present in population databases (rs773154902, gnomAD 0.01%). This variant has not been reported in the literature in individuals affected with RECQL4-related conditions. Invitae Evidence Modeling of protein sequence and biophysical properties (such as structural, functional, and spatial information, amino acid conservation, physicochemical variation, residue mobility, and thermodynamic stability) indicates that this missense variant is not expected to disrupt RECQL4 protein function with a negative predictive value of 80%. In summary, the available evidence is currently insufficient to determine the role of this variant in disease. Therefore, it has been classified as a Variant of Uncertain Significance.